The following is an entry in ClinVar:

ClinVar aggregate classification (germline): Uncertain significance. Review status: criteria provided, multiple submitters, no conflicts (2 of 4 stars). 3 submissions from 3 submitters: Uncertain significance (3). Last evaluated 2026-08-31.

Conditions:
Inborn genetic diseases. Identifiers: MedGen C0950123, MeSH D030342.

Allele frequency attached by ClinVar (database versions not stated): TOPMed 0.00001; gnomAD exomes 0.00002 and 0.00004; ExAC 0.00001; gnomAD 0.00001.

Submissions (3):

Ambry Genetics
Classification: Uncertain significance for Inborn genetic diseases. Last evaluated: 2026-08-31. Review status: criteria provided, single submitter. Criteria: Ambry Variant Classification Scheme 2023. Collection method: clinical testing. Allele origin: germline.

Labcorp Genetics (formerly Invitae), Labcorp
Classification: Uncertain significance. Last evaluated: 2023-08-24. Review status: criteria provided, single submitter. Criteria: Invitae Variant Classification Sherloc (09022015). Collection method: clinical testing. Allele origin: germline.
Comment: This sequence change replaces valine, which is neutral and non-polar, with isoleucine, which is neutral and non-polar, at codon 828 of the OPA1 protein (p.Val828Ile). This variant is present in population databases (rs773078058, gnomAD 0.005%). This variant has not been reported in the literature in individuals affected with OPA1-related conditions. ClinVar contains an entry for this variant (Variation ID: 1525348). Advanced modeling of protein sequence and biophysical properties (such as structural, functional, and spatial information, amino acid conservation, physicochemical variation, residue mobility, and thermodynamic stability) performed at Invitae indicates that this missense variant is not expected to disrupt OPA1 protein function. In summary, the available evidence is currently insufficient to determine the role of this variant in disease. Therefore, it has been classified as a Variant of Uncertain Significance.

Blueprint Genetics
Classification: Uncertain significance. Last evaluated: 2019-09-28. Review status: criteria provided, single submitter. Criteria: ACMG Guidelines, 2015. Collection method: clinical testing. Allele origin: germline.

NM_130837.3(OPA1):c.2647G>A (p.Val883Ile)

Gene: OPA1 (OPA1 mitochondrial dynamin like GTPase; plus strand). Cytogenetic location: 3q29.
Variant type: single nucleotide variant.
Coding change: c.2647G>A on transcript NM_130837.3 (MANE Select); coding-DNA position 2647, G replaced by A.
Protein change: p.Val883Ile; replaces valine 883 with isoleucine.
Molecular consequence: missense variant.
Genome position (GRCh38, 1-based): chr3:193,662,948, G>A. VCF-style: chr3-193662948-G-A. GRCh37 (hg19) VCF-style: chr3-193380737-G-A.
Other names: c.2482G>A (NM_015560.2); c.2113G>A, p.Val705Ile (NM_001354663.2); c.2110G>A, p.Val704Ile (NM_001354664.2); c.2482G>A, p.Val828Ile (NM_015560.3); c.2374G>A, p.Val792Ile (NM_130831.3); c.2428G>A, p.Val810Ile (NM_130832.3); c.2485G>A, p.Val829Ile (NM_130833.3); c.2536G>A, p.Val846Ile (NM_130834.3); and 2 more; short protein forms V829I, V792I, V846I, V847I, V883I, V705I, V810I, V828I.
Identifiers: ClinVar variation 1525348 (VCV001525348.9), dbSNP rs773078058, ClinGen allele CA2759712.